The following is an entry in ClinVar:

NM_198576.4(AGRN):c.3250+1G>A

Gene: AGRN (agrin; plus strand). Cytogenetic location: 1p36.33.
Variant type: single nucleotide variant.
Coding change: c.3250+1G>A on transcript NM_198576.4 (MANE Select); the canonical splice donor site of the intron after coding-DNA position 3250, G replaced by A.
Molecular consequence: splice donor variant.
Genome position (GRCh38, 1-based): chr1:1,046,736, G>A. VCF-style: chr1-1046736-G-A. GRCh37 (hg19) VCF-style: chr1-982116-G-A.
Other names: c.3250+1G>A (NM_001305275.2); c.2935+1G>A (NM_001364727.2).
Identifiers: ClinVar variation 1525296 (VCV001525296.6), dbSNP rs759853904, ClinGen allele CA508987.

ClinVar aggregate classification (germline): Likely pathogenic (1 of 4 stars; one submission).

Conditions:
Congenital myasthenic syndrome 8. Also called: MYASTHENIC SYNDROME, CONGENITAL, DUE TO AGRIN DEFICIENCY; Myasthenic syndrome, congenital, 8, with pre- and postsynaptic defects. Identifiers: Orphanet 590, MedGen C3808739, MONDO:0014052, OMIM 615120.

Allele frequency attached by ClinVar (database versions not stated): gnomAD 0.00001; TOPMed 0.00002.
gnomAD v4.1: 14 of 1,581,066 alleles (0.00089%); highest among the groups gnomAD compares: Admixed American, 0.017%; no homozygotes.

Submission:

Labcorp Genetics (formerly Invitae), Labcorp
Classification: Likely pathogenic for Congenital myasthenic syndrome 8. Last evaluated: 2025-12-03. Review status: criteria provided, single submitter. Criteria: Invitae Variant Classification Sherloc (09022015). Collection method: clinical testing. Allele origin: germline.
Comment: This sequence change affects a donor splice site in intron 18 of the AGRN gene. It is expected to disrupt RNA splicing. Variants that disrupt the donor or acceptor splice site typically lead to a loss of protein function (PMID: 16199547), and loss-of-function variants in AGRN are known to be pathogenic (PMID: 24951643, 31730230, 39807604). This variant is present in population databases (rs759853904, gnomAD 0.02%). This variant has not been reported in the literature in individuals affected with AGRN-related conditions. ClinVar contains an entry for this variant (Variation ID: 1525296). Algorithms developed to predict the effect of sequence changes on RNA splicing suggest that this variant may disrupt the consensus splice site. In summary, the currently available evidence indicates that the variant is pathogenic, but additional data are needed to prove that conclusively. Therefore, this variant has been classified as Likely Pathogenic.

Literature cited by the submitters: PubMed 16199547; PubMed 24951643; PubMed 31730230; PubMed 39807604.